The following is an entry in ClinVar:

NM_022089.4(ATP13A2):c.1537G>A (p.Asp513Asn)

Gene: ATP13A2 (ATPase cation transporting 13A2; minus strand). Cytogenetic location: 1p36.13.
Variant type: single nucleotide variant.
Coding change: c.1537G>A on transcript NM_022089.4 (MANE Select); coding-DNA position 1537, G replaced by A.
Protein change: p.Asp513Asn; replaces aspartic acid 513 with asparagine.
Molecular consequence: missense variant.
Genome position (GRCh38, 1-based): chr1:16,995,981, C>T on the plus strand (G>A on the coding strand, the complement: ATP13A2 is on the minus strand). VCF-style: chr1-16995981-C-T. GRCh37 (hg19) VCF-style: chr1-17322476-C-T.
Other names: c.1522G>A, p.Asp508Asn (NM_001141973.3, NM_001141974.3); short protein forms D508N, D513N.
Identifiers: ClinVar variation 5005242 (VCV005005242.2).

ClinVar aggregate classification (germline): Uncertain significance (1 of 4 stars; one submission).

Conditions:
Autosomal recessive spastic paraplegia type 78. Identifiers: Orphanet 513436, MedGen C5567893, MONDO:0014975, OMIM 617225.
Kufor-Rakeb syndrome (KRS). Also called: PARKINSON DISEASE 9, AUTOSOMAL RECESSIVE, JUVENILE-ONSET. Identifiers: Orphanet 306674, Orphanet 314632, MedGen C1847640, MONDO:0011706, OMIM 606693.

Submission:

Juno Genomics, Hangzhou Juno Genomics, Inc
Classification: Uncertain significance for Kufor-Rakeb syndrome; Autosomal recessive spastic paraplegia type 78. Review status: criteria provided, single submitter. Criteria: ACMG Guidelines, 2015. Collection method: clinical testing. Allele origin: germline.
Comment: Absent from controls (or at extremely low frequency if recessive) in Genome Aggregation Database.;Multiple lines of computational evidence support a deleterious effect on the gene or gene product.